The following is an entry in ClinVar:

ClinVar aggregate classification (germline): Benign/Likely benign. Review status: criteria provided, multiple submitters, no conflicts (2 of 4 stars). 5 submissions from 5 submitters: Benign (1); Likely benign (3). 1 of the submissions does not count toward it. Last evaluated 2025-03-11.

Conditions:
SDHA-related disorder. Also called: SDHA-related condition; SDHA-related disorders.
Mitochondrial complex II deficiency, nuclear type 1. Also called: SUCCINATE CoQ REDUCTASE DEFICIENCY. Identifiers: Orphanet 3208, MedGen C5700310, MONDO:0100294, OMIM 252011.
Pheochromocytoma/paraganglioma syndrome 5. Also called: Paragangliomas 5; SDHA-Related Hereditary Paraganglioma-Pheochromocytoma Syndrome. Identifiers: Orphanet 29072, MedGen C3279992, MONDO:0013602, OMIM 614165.
Hereditary cancer-predisposing syndrome. Also called: Neoplastic Syndromes, Hereditary; Tumor predisposition; Hereditary neoplastic syndrome; Hereditary Cancer Syndrome. Identifiers: Orphanet 140162, MedGen C0027672, MeSH D009386, MONDO:0015356.

Allele frequency attached by ClinVar (database versions not stated): gnomAD exomes below 0.00001 and 0.00001; TOPMed below 0.00001.
gnomAD v4.1: 7 of 1,603,206 alleles (0.00044%); highest among the groups gnomAD compares: South Asian, 0.0011%; no homozygotes.

Submissions (5):

Myriad Genetics, Inc.
Classification: Benign for Pheochromocytoma/paraganglioma syndrome 5. Last evaluated: 2025-03-11. Review status: criteria provided, single submitter. Criteria: Myriad Autosomal Dominant, Autosomal Recessive and X-Linked Classification Criteria (2023). Collection method: clinical testing. Allele origin: unknown.
Comment: This variant is considered benign. This variant is a silent/synonymous amino acid change and it is not expected to impact splicing.

Labcorp Genetics (formerly Invitae), Labcorp
Classification: Likely benign for Pheochromocytoma/paraganglioma syndrome 5; Mitochondrial complex II deficiency, nuclear type 1. Last evaluated: 2024-04-22. Review status: criteria provided, single submitter. Criteria: Invitae Variant Classification Sherloc (09022015). Collection method: clinical testing. Allele origin: germline.

Quest Diagnostics Nichols Institute San Juan Capistrano
Classification: Likely benign. Last evaluated: 2021-07-13. Review status: criteria provided, single submitter. Criteria: Quest Diagnostics criteria. Collection method: clinical testing. Allele origin: unknown.

Ambry Genetics
Classification: Likely benign for Hereditary cancer-predisposing syndrome. Last evaluated: 2020-03-06. Review status: criteria provided, single submitter. Criteria: Ambry Variant Classification Scheme 2023. Collection method: clinical testing. Allele origin: germline.

PreventionGenetics, part of Exact Sciences
Classification: Likely benign for SDHA-related condition. Last evaluated: 2023-08-16. Review status: no assertion criteria provided. Collection method: clinical testing. Allele origin: germline. Not counted in ClinVar's aggregate classification.
Comment: This variant is classified as likely benign based on ACMG/AMP sequence variant interpretation guidelines (Richards et al. 2015 PMID: 25741868, with internal and published modifications).

NM_004168.4(SDHA):c.1812C>T (p.Tyr604=)

Gene: SDHA (succinate dehydrogenase complex flavoprotein subunit A; plus strand). Cytogenetic location: 5p15.33.
Variant type: single nucleotide variant.
Coding change: c.1812C>T on transcript NM_004168.4 (MANE Select); coding-DNA position 1812, C replaced by T.
Protein change: p.Tyr604=; no amino-acid change (tyrosine 604 retained).
Molecular consequence: synonymous variant.
Genome position (GRCh38, 1-based): chr5:254,410, C>T. VCF-style: chr5-254410-C-T. GRCh37 (hg19) VCF-style: chr5-254525-C-T.
Other names: c.1668C>T, p.Tyr556= (NM_001294332.2); c.1569C>T, p.Tyr523= (NM_001330758.2).
Identifiers: ClinVar variation 539697 (VCV000539697.18), dbSNP rs1436919553, ClinGen allele CA359001700.